The following is an entry in ClinVar:

NM_005172.2(ATOH1):c.218G>A (p.Cys73Tyr)

Gene: ATOH1 (atonal bHLH transcription factor 1; plus strand). Cytogenetic location: 4q22.2.
Variant type: single nucleotide variant.
Coding change: c.218G>A on transcript NM_005172.2 (MANE Select); coding-DNA position 218, G replaced by A.
Protein change: p.Cys73Tyr; replaces cysteine 73 with tyrosine.
Molecular consequence: missense variant.
Genome position (GRCh38, 1-based): chr4:93,829,144, G>A. VCF-style: chr4-93829144-G-A. GRCh37 (hg19) VCF-style: chr4-94750295-G-A.
Other names: short protein forms C73Y.
Identifiers: ClinVar variation 3775162 (VCV003775162.1).

ClinVar aggregate classification (germline): Uncertain significance (1 of 4 stars; one submission).

Conditions:
Hearing loss, autosomal dominant 89. Also called: Deafness, autosomal dominant 89. Identifiers: MedGen C5830357, MONDO:0859528, OMIM 620284.

Submission:

Institute of Human Genetics, University of Goettingen
Classification: Uncertain significance for Hearing loss, autosomal dominant 89. Last evaluated: 2024-09-05. Review status: criteria provided, single submitter. Criteria: ACMG Guidelines, 2015. Collection method: clinical testing. Allele origin: unknown. Inheritance: Autosomal dominant inheritance. Affected: yes.
Comment: The variant c.218G>A (p.(Cys73Tyr)) in exon 1 of the ATOH1-gene is not found in the gnomAD database. It affects a moderately conserved nucleotide, and a moderately conserved amino acid and there is a large physicochemical difference between Cys and Tyr. This variant has a pathogenic computational verdict based on in silico prediction algorithms. ACMG criteria used for classification: PM2_sup, PP3